The following is an entry in ClinVar:

ClinVar aggregate classification (germline): Uncertain significance (0 of 4 stars; one submission).

Conditions:
Neurodegeneration with brain iron accumulation 4 (NBIA4). Also called: MITOCHONDRIAL PROTEIN-ASSOCIATED NEURODEGENERATION. Identifiers: Orphanet 289560, MedGen C3280371, MONDO:0013674, OMIM 614298. Disease mechanism: loss of function.

Submission:

Foundation for Research in Genetics and Endocrinology, FRIGE's Institute of Human Genetics
Classification: Uncertain significance for Neurodegeneration with brain iron accumulation 4. Last evaluated: 2018-12-14. Review status: no assertion criteria provided. Collection method: clinical testing. Allele origin: germline. Inheritance: Autosomal recessive inheritance. Affected: yes. Observed: 1 homozygote.
Comment: The observed variant NM_001031726.3 :c.79T>C has not been reported in the 1000 Genomes and ExAC databases. The in silico prediction of this variant is probably damaging by PolyPhen-2 and damaging by SIFT and MutationTaster2.

NM_031448.6(C19orf12):c.46T>C (p.Ser16Pro)

Gene: C19orf12 (chromosome 19 open reading frame 12; minus strand). Cytogenetic location: 19q12.
Variant type: single nucleotide variant.
Coding change: c.46T>C on transcript NM_031448.6 (MANE Select); coding-DNA position 46, T replaced by C.
Protein change: p.Ser16Pro; replaces serine 16 with proline.
Molecular consequence: missense variant. On other transcripts: 5 prime UTR variant (1), intron variant (2).
Genome position (GRCh38, 1-based): chr19:29,708,368, A>G on the plus strand (T>C on the coding strand, the complement: C19orf12 is on the minus strand). VCF-style: chr19-29708368-A-G. GRCh37 (hg19) VCF-style: chr19-30199275-A-G.
Other names: c.46T>C, p.Ser16Pro (NM_001031726.4, NM_001256046.3, NM_001256047.2); c.-268T>C (NM_001282931.3); c.-32-5391T>C (NM_001282929.1, NM_001282930.3); short protein forms S16P, S27P.
Identifiers: ClinVar variation 617504 (VCV000617504.2), dbSNP rs1568332606, ClinGen allele CA405145642.